The following is an entry in ClinVar:

NM_002485.5(NBN):c.1894T>C (p.Trp632Arg)

Genes: NBN (nibrin; minus strand), LOC126860438 (MED14-independent group 3 enhancer GRCh37_chr8:90959982-90961181; plus strand). Cytogenetic location: 8q21.3.
Variant type: single nucleotide variant.
Coding change: c.1894T>C on transcript NM_002485.5 (MANE Select); coding-DNA position 1894, T replaced by C.
Protein change: p.Trp632Arg; replaces tryptophan 632 with arginine.
Molecular consequence: missense variant.
Genome position (GRCh38, 1-based): chr8:89,947,844, A>G on the plus strand (T>C on the coding strand, the complement: NBN is on the minus strand). VCF-style: chr8-89947844-A-G. GRCh37 (hg19) VCF-style: chr8-90960072-A-G.
Other names: c.1648T>C, p.Trp550Arg (NM_001024688.3); short protein forms W550R, W632R.
Identifiers: ClinVar variation 801232 (VCV000801232.17), dbSNP rs1586043635, ClinGen allele CA371677224.

ClinVar aggregate classification (germline): Uncertain significance. Review status: criteria provided, multiple submitters, no conflicts (2 of 4 stars). 5 submissions from 5 submitters: Uncertain significance (5). Last evaluated 2025-01-05.

Conditions:
Aplastic anemia. Identifiers: Orphanet 182040, Orphanet 88, MedGen C0002874, MONDO:0015909, OMIM 609135, HP:0001915.
Microcephaly, normal intelligence and immunodeficiency (NBS). Also called: Microcephaly with normal intelligence immunodeficiency and lymphoreticular malignancies; Nonsyndromal microcephaly autosomal recessive with normal intelligence; Seemanova syndrome 2; Ataxia telangiectasia variant V1; BERLIN BREAKAGE SYNDROME; Immunodeficiency, microcephaly with normal intelligence. Identifiers: Orphanet 647, MedGen C0398791, MONDO:0009623, OMIM 251260.
Hereditary cancer-predisposing syndrome. Also called: Neoplastic Syndromes, Hereditary; Hereditary Cancer Syndrome; Tumor predisposition; Hereditary neoplastic syndrome. Identifiers: Orphanet 140162, MedGen C0027672, MeSH D009386, MONDO:0015356.

Submissions (5):

Ambry Genetics
Classification: Uncertain significance for Hereditary cancer-predisposing syndrome. Last evaluated: 2025-01-05. Review status: criteria provided, single submitter. Criteria: Ambry Variant Classification Scheme 2023. Collection method: clinical testing. Allele origin: germline.
Comment: The p.W632R variant (also known as c.1894T>C), located in coding exon 12 of the NBN gene, results from a T to C substitution at nucleotide position 1894. The tryptophan at codon 632 is replaced by arginine, an amino acid with dissimilar properties. This amino acid position is poorly conserved in available vertebrate species. In addition, this alteration is predicted to be tolerated by in silico analysis. Since supporting evidence is limited at this time, the clinical significance of this alteration remains unclear.

Baylor Genetics
Classification: Uncertain significance for Aplastic anemia. Last evaluated: 2023-05-17. Review status: criteria provided, single submitter. Criteria: ACMG Guidelines, 2015. Collection method: clinical testing. Allele origin: unknown.

Genome-Nilou Lab
Classification: Uncertain significance for Microcephaly, normal intelligence and immunodeficiency. Last evaluated: 2021-11-07. Review status: criteria provided, single submitter. Criteria: ACMG Guidelines, 2015. Collection method: clinical testing. Allele origin: germline. Affected: no.

Labcorp Genetics (formerly Invitae), Labcorp
Classification: Uncertain significance for Microcephaly, normal intelligence and immunodeficiency. Last evaluated: 2021-08-27. Review status: criteria provided, single submitter. Criteria: Invitae Variant Classification Sherloc (09022015). Collection method: clinical testing. Allele origin: germline.
Comment: This sequence change replaces tryptophan with arginine at codon 632 of the NBN protein (p.Trp632Arg). The tryptophan residue is weakly conserved and there is a moderate physicochemical difference between tryptophan and arginine. This variant is not present in population databases (ExAC no frequency). This variant has not been reported in the literature in individuals affected with NBN-related conditions. Algorithms developed to predict the effect of missense changes on protein structure and function (SIFT, PolyPhen-2, Align-GVGD) all suggest that this variant is likely to be tolerated. In summary, the available evidence is currently insufficient to determine the role of this variant in disease. Therefore, it has been classified as a Variant of Uncertain Significance.

Quest Diagnostics Nichols Institute San Juan Capistrano
Classification: Uncertain significance. Last evaluated: 2019-08-18. Review status: criteria provided, single submitter. Criteria: Quest Diagnostics criteria. Collection method: clinical testing. Allele origin: germline.